The following is an entry in ClinVar:

ClinVar aggregate classification (germline): Conflicting classifications of pathogenicity. Review status: criteria provided, conflicting classifications (1 of 4 stars). 5 submissions from 5 submitters: Uncertain significance (1); Benign (1); Likely benign (2). 1 of the submissions does not count toward it. Last evaluated 2026-01-04.

Conditions:
COL6A2-related disorder.
Bethlem myopathy 1A. Also called: Bethlem myopathy 1; MYOPATHY, BENIGN CONGENITAL, WITH CONTRACTURES; Bethlem Muscular Dystrophy. Identifiers: Orphanet 610, MedGen CN029274, MONDO:0024530, OMIM 158810.
Collagen 6-related myopathy. Identifiers: MedGen CN117976, MONDO:0100225.

Allele frequency attached by ClinVar (database versions not stated): gnomAD 0.00003 and 0.00004; TOPMed 0.00006; gnomAD exomes 0.00010 and 0.00014; ExAC 0.00012.
gnomAD v4.1: 146 of 1,612,474 alleles (0.0091%); highest among the groups gnomAD compares: Middle Eastern, 0.099%; 2 homozygotes.

Submissions (5):

Labcorp Genetics (formerly Invitae), Labcorp
Classification: Likely benign for Bethlem myopathy 1A. Last evaluated: 2026-01-04. Review status: criteria provided, single submitter. Criteria: Invitae Variant Classification Sherloc (09022015). Collection method: clinical testing. Allele origin: germline.

Genomic Research Center, Shahid Beheshti University of Medical Sciences
Classification: Likely benign. Last evaluated: 2019-01-01. Review status: criteria provided, single submitter. Criteria: ACMG Guidelines, 2015. Collection method: clinical testing. Allele origin: unknown. Affected: yes. Observed: 1 variant allele.

Illumina Laboratory Services, Illumina
Classification: Benign for Collagen VI-related myopathy. Last evaluated: 2018-01-13. Review status: criteria provided, single submitter. Criteria: ICSL Variant Classification Criteria 13 December 2019. Collection method: clinical testing. Allele origin: germline.
Comment: This variant was observed in the ICSL laboratory as part of a predisposition screen in an ostensibly healthy population. It had not been previously curated by ICSL or reported in the Human Gene Mutation Database (HGMD: prior to June 1st, 2018), and was therefore a candidate for classification through an automated scoring system. Utilizing variant allele frequency, disease prevalence and penetrance estimates, and inheritance mode, an automated score was calculated to assess if this variant is too frequent to cause the disease. Based on the score and internal cut-off values, a variant classified as benign is not then subjected to further curation. The score for this variant resulted in a classification of benign for this disease.

Eurofins Ntd Llc (ga)
Classification: Uncertain significance. Last evaluated: 2017-05-05. Review status: criteria provided, single submitter. Criteria: EGL Classification Definitions 2015. Collection method: clinical testing. Allele origin: germline. Observed: 2 variant alleles, 2 heterozygotes.

PreventionGenetics, part of Exact Sciences
Classification: Likely benign for COL6A2-related condition. Last evaluated: 2024-09-20. Review status: no assertion criteria provided. Collection method: clinical testing. Allele origin: germline. Not counted in ClinVar's aggregate classification.
Comment: This variant is classified as likely benign based on ACMG/AMP sequence variant interpretation guidelines (Richards et al. 2015 PMID: 25741868, with internal and published modifications).

NM_001849.4(COL6A2):c.1817-8C>A

Gene: COL6A2 (collagen type VI alpha 2 chain; plus strand). Cytogenetic location: 21q22.3.
Variant type: single nucleotide variant.
Coding change: c.1817-8C>A on transcript NM_001849.4 (MANE Select); 8 bases into the intron before coding-DNA position 1817, C replaced by A.
Molecular consequence: intron variant.
Genome position (GRCh38, 1-based): chr21:46,125,457, C>A. VCF-style: chr21-46125457-C-A. GRCh37 (hg19) VCF-style: chr21-47545371-C-A.
Other names: c.1817-8C>A (NM_058175.3, NM_058174.3).
Identifiers: ClinVar variation 282239 (VCV000282239.24), dbSNP rs750444649, ClinGen allele CA10072292.